The following is an entry in ClinVar:

NM_002471.4(MYH6):c.4502A>G (p.Lys1501Arg)

Gene: MYH6 (myosin heavy chain 6; minus strand). Cytogenetic location: 14q11.2.
Variant type: single nucleotide variant.
Coding change: c.4502A>G on transcript NM_002471.4 (MANE Select); coding-DNA position 4502, A replaced by G.
Protein change: p.Lys1501Arg; replaces lysine 1501 with arginine.
Molecular consequence: missense variant.
Genome position (GRCh38, 1-based): chr14:23,387,781, T>C on the plus strand (A>G on the coding strand, the complement: MYH6 is on the minus strand). VCF-style: chr14-23387781-T-C. GRCh37 (hg19) VCF-style: chr14-23856990-T-C.
Other names: short protein forms K1501R.
Identifiers: ClinVar variation 654517 (VCV000654517.8), dbSNP rs1595050790, ClinGen allele CA388997092.

ClinVar aggregate classification (germline): Uncertain significance (1 of 4 stars; one submission).

Conditions:
Hypertrophic cardiomyopathy 14. Identifiers: MedGen C2750467, MONDO:0013197, OMIM 613251.

Allele frequency attached by ClinVar (database versions not stated): gnomAD exomes below 0.00001.

Submission:

Labcorp Genetics (formerly Invitae), Labcorp
Classification: Uncertain significance for Hypertrophic cardiomyopathy 14. Last evaluated: 2018-10-16. Review status: criteria provided, single submitter. Criteria: Invitae Variant Classification Sherloc (09022015). Collection method: clinical testing. Allele origin: germline.
Comment: Algorithms developed to predict the effect of missense changes on protein structure and function (SIFT, PolyPhen-2, Align-GVGD) all suggest that this variant is likely to be tolerated, but these predictions have not been confirmed by published functional studies and their clinical significance is uncertain. This variant has not been reported in the literature in individuals with MYH6-related disease. This variant is not present in population databases (ExAC no frequency). This sequence change replaces lysine with arginine at codon 1501 of the MYH6 protein (p.Lys1501Arg). The lysine residue is weakly conserved and there is a small physicochemical difference between lysine and arginine. In summary, the available evidence is currently insufficient to determine the role of this variant in disease. Therefore, it has been classified as a Variant of Uncertain Significance.